The following is an entry in ClinVar:

NM_004453.4(ETFDH):c.1415G>T (p.Gly472Val)

Gene: ETFDH (electron transfer flavoprotein dehydrogenase; plus strand). Cytogenetic location: 4q32.1.
Variant type: single nucleotide variant.
Coding change: c.1415G>T on transcript NM_004453.4 (MANE Select); coding-DNA position 1415, G replaced by T.
Protein change: p.Gly472Val; replaces glycine 472 with valine.
Molecular consequence: missense variant.
Genome position (GRCh38, 1-based): chr4:158,706,318, G>T. VCF-style: chr4-158706318-G-T. GRCh37 (hg19) VCF-style: chr4-159627470-G-T.
Other names: c.1274G>T, p.Gly425Val (NM_001281737.2); c.1232G>T, p.Gly411Val (NM_001281738.1); c.1415G>T (NM_004453.2); short protein forms G411V, G425V, G472V.
Identifiers: ClinVar variation 3385202 (VCV003385202.2).

ClinVar aggregate classification (germline): Uncertain significance. Review status: criteria provided, multiple submitters, no conflicts (2 of 4 stars). 2 submissions from 2 submitters: Uncertain significance (2). Last evaluated 2024-10-18.

Submissions (2):

Women's Health and Genetics/Laboratory Corporation of America, LabCorp
Classification: Uncertain significance. Last evaluated: 2024-10-18. Review status: criteria provided, single submitter. Criteria: LabCorp Variant Classification Summary - May 2015. Collection method: clinical testing. Allele origin: germline.
Comment: Variant summary: ETFDH c.1415G>T (p.Gly472Val) results in a non-conservative amino acid change in the encoded protein sequence. Five of five in-silico tools predict a damaging effect of the variant on protein function. The variant allele was found at a frequency of 4e-06 in 251360 control chromosomes. The available data on variant occurrences in the general population are insufficient to allow any conclusion about variant significance. To our knowledge, no occurrence of c.1415G>T in individuals affected with Glutaric Aciduria, Type 2c and no experimental evidence demonstrating its impact on protein function have been reported. A different variant affecting the same codon has been classified as pathogenic by our lab (c.1414G>A, p.Gly472Arg), supporting the critical relevance of codon 472 to ETFDH protein function. No submitters have cited clinical-significance assessments for this variant to ClinVar. Based on the evidence outlined above, the variant was classified as uncertain significance.

GeneDx
Classification: Uncertain significance. Last evaluated: 2024-08-28. Review status: criteria provided, single submitter. Criteria: GeneDx Variant Classification Process June 2021. Collection method: clinical testing. Allele origin: germline. Affected: yes.
Comment: Not observed at significant frequency in large population cohorts (gnomAD); In silico analysis supports that this missense variant has a deleterious effect on protein structure/function; Has not been previously published as pathogenic or benign to our knowledge